The following is an entry in ClinVar:

NM_001142864.4(PIEZO1):c.3432C>G (p.Pro1144=)

Gene: PIEZO1 (piezo type mechanosensitive ion channel component 1 (Er blood group); minus strand). Cytogenetic location: 16q24.3.
Variant type: single nucleotide variant.
Coding change: c.3432C>G on transcript NM_001142864.4 (MANE Select); coding-DNA position 3432, C replaced by G.
Protein change: p.Pro1144=; no amino-acid change (proline 1144 retained).
Molecular consequence: synonymous variant.
Genome position (GRCh38, 1-based): chr16:88,727,062, G>C on the plus strand (C>G on the coding strand, the complement: PIEZO1 is on the minus strand). VCF-style: chr16-88727062-G-C. GRCh37 (hg19) VCF-style: chr16-88793470-G-C.
Other names: c.1974C>G, p.Pro658= (NM_014745.1); c.3432C>G (NM_001142864.3).
Identifiers: ClinVar variation 2163393 (VCV002163393.5), dbSNP rs537303503, ClinGen allele CA8232490.

ClinVar aggregate classification (germline): Likely benign. Review status: criteria provided, single submitter (1 of 4 stars). 2 submissions from 2 submitters: Likely benign (1). 1 of the submissions does not count toward it. Last evaluated 2025-05-01.

Conditions:
PIEZO1-related disorder. Also called: PIEZO1-Related Disorders; PIEZO1-related condition.

Allele frequency attached by ClinVar (database versions not stated): ExAC 0.00011; 1000 Genomes Project 0.00040; 1000 Genomes Project 30x 0.00047.
gnomAD v4.1: 64 of 1,549,178 alleles (0.0041%); highest among the groups gnomAD compares: Admixed American, 0.11%; 1 homozygote.

Submissions (2):

Labcorp Genetics (formerly Invitae), Labcorp
Classification: Likely benign. Last evaluated: 2025-05-01. Review status: criteria provided, single submitter. Criteria: Invitae Variant Classification Sherloc (09022015). Collection method: clinical testing. Allele origin: germline.

PreventionGenetics, part of Exact Sciences
Classification: Likely benign for PIEZO1-related condition. Last evaluated: 2024-05-16. Review status: no assertion criteria provided. Collection method: clinical testing. Allele origin: germline. Not counted in ClinVar's aggregate classification.
Comment: This variant is classified as likely benign based on ACMG/AMP sequence variant interpretation guidelines (Richards et al. 2015 PMID: 25741868, with internal and published modifications).